The following is an entry in ClinVar:

NM_000089.4(COL1A2):c.2948C>G (p.Pro983Arg)

Gene: COL1A2 (collagen type I alpha 2 chain; plus strand). Cytogenetic location: 7q21.3.
Variant type: single nucleotide variant.
Coding change: c.2948C>G on transcript NM_000089.4 (MANE Select); coding-DNA position 2948, C replaced by G.
Protein change: p.Pro983Arg; replaces proline 983 with arginine.
Molecular consequence: missense variant.
Genome position (GRCh38, 1-based): chr7:94,426,002, C>G. VCF-style: chr7-94426002-C-G. GRCh37 (hg19) VCF-style: chr7-94055314-C-G.
Other names: short protein forms P983R.
Identifiers: ClinVar variation 4070835 (VCV004070835.1).

ClinVar aggregate classification (germline): Uncertain significance (1 of 4 stars; one submission).

Submission:

GeneDx
Classification: Uncertain significance. Last evaluated: 2025-01-17. Review status: criteria provided, single submitter. Criteria: GeneDx Variant Classification Process June 2021. Collection method: clinical testing. Allele origin: germline. Affected: yes.
Comment: Not observed at significant frequency in large population cohorts (gnomAD); In silico analysis supports that this missense variant has a deleterious effect on protein structure/function; Has not been previously published as pathogenic or benign to our knowledge